The following is an entry in ClinVar:

NM_004656.4(BAP1):c.128T>G (p.Val43Gly)

Gene: BAP1 (BRCA1 associated deubiquitinase 1; minus strand). Cytogenetic location: 3p21.1.
Variant type: single nucleotide variant.
Coding change: c.128T>G on transcript NM_004656.4 (MANE Select); coding-DNA position 128, T replaced by G.
Protein change: p.Val43Gly; replaces valine 43 with glycine.
Molecular consequence: missense variant.
Genome position (GRCh38, 1-based): chr3:52,408,601, A>C on the plus strand (T>G on the coding strand, the complement: BAP1 is on the minus strand). VCF-style: chr3-52408601-A-C. GRCh37 (hg19) VCF-style: chr3-52442617-A-C.
Other names: short protein forms V43G.
Identifiers: ClinVar variation 1021884 (VCV001021884.5), dbSNP rs1705240813, ClinGen allele CA353113816.
Genomic context (GRCh38, chr3:52,408,601, plus strand): 5'-GAGACCTTTCGCCGGGACCGGCGCTCTTCGATCCATTTGAACAGGAAGATAAATCCATAT[A>C]CAGGGCTGGGGGAAGTAAGGGGCAGAGCCAGATCAGCCAAAGGGGAGAAGACAATCAGCA-3'
Protein context (NP_004647.1, residues 33-53): YDLQSKCQGP[Val43Gly]YGFIFLFKWI

ClinVar aggregate classification (germline): Uncertain significance (1 of 4 stars; one submission).

Conditions:
BAP1-related tumor predisposition syndrome (TPDS1). Also called: Tumor susceptibility linked to germline BAP1 mutations; COMMON Syndrome; TUMOR PREDISPOSITION SYNDROME 1; BAP1 tumor predisposition syndrome. Identifiers: Orphanet 289539, MedGen C3280492, MONDO:0013692, OMIM 614327.

Submission:

Labcorp Genetics (formerly Invitae), Labcorp
Classification: Uncertain significance for BAP1-related tumor predisposition syndrome. Last evaluated: 2023-10-13. Review status: criteria provided, single submitter. Criteria: Invitae Variant Classification Sherloc (09022015). Collection method: clinical testing. Allele origin: germline.
Comment: This sequence change replaces valine, which is neutral and non-polar, with glycine, which is neutral and non-polar, at codon 43 of the BAP1 protein (p.Val43Gly). This variant is not present in population databases (gnomAD no frequency). This variant has not been reported in the literature in individuals affected with BAP1-related conditions. ClinVar contains an entry for this variant (Variation ID: 1021884). Advanced modeling of protein sequence and biophysical properties (such as structural, functional, and spatial information, amino acid conservation, physicochemical variation, residue mobility, and thermodynamic stability) performed at Invitae indicates that this missense variant is expected to disrupt BAP1 protein function. In summary, the available evidence is currently insufficient to determine the role of this variant in disease. Therefore, it has been classified as a Variant of Uncertain Significance.